The following is an entry in ClinVar:

ClinVar aggregate classification (germline): Likely pathogenic. Review status: criteria provided, multiple submitters, no conflicts (2 of 4 stars). 2 submissions from 2 submitters: Likely pathogenic (2). Last evaluated 2020-05-14.

Conditions:
Hereditary cancer-predisposing syndrome. Also called: Hereditary Cancer Syndrome; Hereditary neoplastic syndrome; Neoplastic Syndromes, Hereditary; Tumor predisposition. Identifiers: Orphanet 140162, MedGen C0027672, MeSH D009386, MONDO:0015356.
Rhabdoid tumor predisposition syndrome 2 (RTPS2). Identifiers: Orphanet 231108, Orphanet 69077, MedGen C2750074, MONDO:0013224, OMIM 613325.

Allele frequency attached by ClinVar (database versions not stated): TOPMed below 0.00001.

Submissions (2):

Labcorp Genetics (formerly Invitae), Labcorp
Classification: Likely pathogenic for Rhabdoid tumor predisposition syndrome 2. Last evaluated: 2020-05-14. Review status: criteria provided, single submitter. Criteria: Invitae Variant Classification Sherloc (09022015). Collection method: clinical testing. Allele origin: germline.
Comment: In summary, the currently available evidence indicates that the variant is pathogenic, but additional data are needed to prove that conclusively. Therefore, this variant has been classified as Likely Pathogenic. Donor and acceptor splice site variants typically lead to a loss of protein function (PMID: 16199547), and loss-of-function variants in SMARCA4 are known to be pathogenic (PMID: 24658001, 24658002). This variant has not been reported in the literature in individuals with SMARCA4-related conditions. This variant is not present in population databases (ExAC no frequency). This sequence change affects a donor splice site in intron 26 of the SMARCA4 gene. It is expected to disrupt RNA splicing and likely results in an absent or disrupted protein product.

Ambry Genetics
Classification: Likely pathogenic for Hereditary cancer-predisposing syndrome. Last evaluated: 2017-08-02. Review status: criteria provided, single submitter. Criteria: Ambry Variant Classification Scheme 2023. Collection method: clinical testing. Allele origin: germline.
Comment: The c.3774+2T>A intronic variant results from a T to A substitution two nucleotides after coding exon 25 in the SMARCA4 gene. This nucleotide position is highly conserved in available vertebrate species. Using the BDGP and ESEfinder splice site prediction tools, this alteration is predicted to abolish the native splice donor site; however, direct evidence is unavailable. Alterations that disrupt the canonical splice site are expected to cause aberrant splicing, resulting in an abnormal protein or a transcript that is subject to nonsense-mediated mRNA decay. As such, this alteration is classified as likely pathogenic.

Literature cited by the submitters: PubMed 16199547 (cited by Labcorp Genetics (formerly Invitae), Labcorp); PubMed 24658001 (cited by Labcorp Genetics (formerly Invitae), Labcorp); PubMed 24658002 (cited by Labcorp Genetics (formerly Invitae), Labcorp).

NM_003072.5(SMARCA4):c.3774+2T>A

Gene: SMARCA4 (SWI/SNF related BAF chromatin remodeling complex subunit ATPase 4; plus strand). Cytogenetic location: 19p13.2.
Variant type: single nucleotide variant.
Coding change: c.3774+2T>A on transcript NM_003072.5 (MANE Select); the canonical splice donor site of the intron after coding-DNA position 3774, T replaced by A.
Molecular consequence: splice donor variant.
Genome position (GRCh38, 1-based): chr19:11,033,519, T>A. VCF-style: chr19-11033519-T-A. GRCh37 (hg19) VCF-style: chr19-11144195-T-A.
Other names: c.3774+2T>A (NM_001128846.2, NM_001128848.2, NM_001128844.3 and 6 more transcripts).
Identifiers: ClinVar variation 1066568 (VCV001066568.9), dbSNP rs1475054297, ClinGen allele CA404066276.
Genomic context (GRCh38, chr19:11,033,519, plus strand): 5'-CCAGCCATGAGCGGCGCGCCTTCCTGCAGGCCATCCTGGAGCACGAGGAGCAGGATGAGG[T>A]GAGCCCAGCACCGGCCCCGACCCCTCCCCAGCGTGAATGGTGGACGCGTGAGCGGCTTTC-3'